The following is an entry in ClinVar:

NM_012309.5(SHANK2):c.900C>T (p.His300=)

Gene: SHANK2 (SH3 and multiple ankyrin repeat domains 2; minus strand). Cytogenetic location: 11q13.4.
Variant type: single nucleotide variant.
Coding change: c.900C>T on transcript NM_012309.5 (MANE Select); coding-DNA position 900, C replaced by T.
Protein change: p.His300=; no amino-acid change (histidine 300 retained).
Molecular consequence: synonymous variant.
Genome position (GRCh38, 1-based): chr11:71,092,434, G>A on the plus strand (C>T on the coding strand, the complement: SHANK2 is on the minus strand). VCF-style: chr11-71092434-G-A. GRCh37 (hg19) VCF-style: chr11-70803480-G-A.
Other names: c.900C>T (NM_012309.4).
Identifiers: ClinVar variation 305906 (VCV000305906.8), dbSNP rs529058522, ClinGen allele CA6162059.
Genomic context (GRCh38, chr11:71,092,434, plus strand): 5'-GGAAGTCAGTTCGTGGGTACAACAGAGTGGAGAAGCGGGCCCACGTACCTGGTGGATCTC[G>A]TGCCAGCCGTTCTCATCTTTGCAGCACACAGTGGCGTGTTCGTGCAGGAGAAGCTCGCAG-3'
Protein context (NP_036441.2, residues 290-310): TVCCKDENGW[His300=]EIHQACRYGH

ClinVar aggregate classification (germline): Likely benign. Review status: criteria provided, single submitter (1 of 4 stars). 2 submissions from 2 submitters: Likely benign (1). 1 of the submissions does not count toward it. Last evaluated 2024-07-10.

Conditions:
SHANK2-related disorder.

Allele frequency attached by ClinVar (database versions not stated): 1000 Genomes Project 30x 0.00016; TOPMed 0.00016; gnomAD exomes 0.00027; ExAC 0.00028; gnomAD 0.00029; 1000 Genomes Project 0.00040.
gnomAD v4.1: 160 of 1,551,404 alleles (0.01%); highest among the groups gnomAD compares: South Asian, 0.11%; 4 homozygotes.

Submissions (2):

Blueprint Genetics
Classification: Likely benign. Last evaluated: 2024-07-10. Review status: criteria provided, single submitter. Criteria: ACMG Guidelines, 2015. Collection method: clinical testing. Allele origin: germline.

PreventionGenetics, part of Exact Sciences
Classification: Likely benign for SHANK2-related condition. Last evaluated: 2019-12-20. Review status: no assertion criteria provided. Collection method: clinical testing. Allele origin: germline. Not counted in ClinVar's aggregate classification.
Comment: This variant is classified as likely benign based on ACMG/AMP sequence variant interpretation guidelines (Richards et al. 2015 PMID: 25741868, with internal and published modifications).